The following is an entry in ClinVar:

NM_006842.3(SF3B2):c.2640_2650del (p.Gln881fs)

Gene: SF3B2 (splicing factor 3b subunit 2; plus strand). Cytogenetic location: 11q13.1.
Variant type: Deletion.
Coding change: c.2640_2650del on transcript NM_006842.3 (MANE Select); coding-DNA positions 2640 to 2650, 11 bases deleted (CCAGGACAGCC).
Protein change: p.Gln881fs; shifts the reading frame from glutamine 881.
Molecular consequence: frameshift variant.
Genome position (GRCh38, 1-based): chr11:66,068,697-66,068,707, CCAGGACAGCC deleted; deleting any 11 consecutive bases within chr11:66,068,692-66,068,707 gives the same sequence; the c. name uses the placement nearest the transcript's 3' end. VCF-style (leftmost placement, unchanged base first): chr11-66068691-TCAGCCCCAGGA-T. GRCh37 (hg19) VCF-style: chr11-65836162-TCAGCCCCAGGA-T.
Other names: short protein forms Q881fs.
Identifiers: ClinVar variation 3573645 (VCV003573645.1).

ClinVar aggregate classification (germline): Uncertain significance (1 of 4 stars; one submission).

Submission:

GeneDx
Classification: Uncertain significance. Last evaluated: 2024-07-17. Review status: criteria provided, single submitter. Criteria: GeneDx Variant Classification Process June 2021. Collection method: clinical testing. Allele origin: germline. Affected: yes.
Comment: Not observed at significant frequency in large population cohorts (gnomAD); Frameshift variant predicted to result in abnormal protein length as the last 15 amino acids are replaced with 6 different amino acids; Has not been previously published as pathogenic or benign to our knowledge